The following is an entry in ClinVar:

NM_001854.4(COL11A1):c.4834C>G (p.Leu1612Val)

Gene: COL11A1 (collagen type XI alpha 1 chain; minus strand). Cytogenetic location: 1p21.1.
Variant type: single nucleotide variant.
Coding change: c.4834C>G on transcript NM_001854.4 (MANE Select); coding-DNA position 4834, C replaced by G.
Protein change: p.Leu1612Val; replaces leucine 1612 with valine.
Molecular consequence: missense variant. On other transcripts: non-coding transcript variant (1).
Genome position (GRCh38, 1-based): chr1:102,886,831, G>C on the plus strand (C>G on the coding strand, the complement: COL11A1 is on the minus strand). VCF-style: chr1-102886831-G-C. GRCh37 (hg19) VCF-style: chr1-103352387-G-C.
Other names: c.4486C>G, p.Leu1496Val (NM_001168249.1, NM_080630.4); c.4717C>G, p.Leu1573Val (NM_001190709.2); c.4870C>G, p.Leu1624Val (NM_080629.3); c.4834C>G (NM_001854.3); short protein forms L1496V, L1573V, L1624V, L1612V.
Identifiers: ClinVar variation 1924016 (VCV001924016.7), dbSNP rs1651040272, ClinGen allele CA341211756.

ClinVar aggregate classification (germline): Uncertain significance. Review status: criteria provided, multiple submitters, no conflicts (2 of 4 stars). 3 submissions from 3 submitters: Uncertain significance (3). Last evaluated 2025-12-09.

Conditions:
Inborn genetic diseases. Identifiers: MedGen C0950123, MeSH D030342.

Allele frequency attached by ClinVar (database versions not stated): TOPMed 0.00003.
gnomAD v4.1: 4 of 1,613,792 alleles (0.00025%); no homozygotes.

Submissions (3):

Ambry Genetics
Classification: Uncertain significance for Inborn genetic diseases. Last evaluated: 2025-12-09. Review status: criteria provided, single submitter. Criteria: Ambry Variant Classification Scheme 2023. Collection method: clinical testing. Allele origin: germline.

GeneDx
Classification: Uncertain significance. Last evaluated: 2025-07-14. Review status: criteria provided, single submitter. Criteria: GeneDx Variant Classification Process June 2021. Collection method: clinical testing. Allele origin: germline. Affected: yes.
Comment: Not observed at significant frequency in large population cohorts (gnomAD); In silico analysis suggests that this missense variant does not alter protein structure/function; Not located in the triple helical region, where the majority of pathogenic missense variants occur (HGMD; PMID: 25240749); Has not been previously published as pathogenic or benign to our knowledge; This variant is associated with the following publications: (PMID: 25240749)

Labcorp Genetics (formerly Invitae), Labcorp
Classification: Uncertain significance. Last evaluated: 2024-03-11. Review status: criteria provided, single submitter. Criteria: Invitae Variant Classification Sherloc (09022015). Collection method: clinical testing. Allele origin: germline.
Comment: This sequence change replaces leucine, which is neutral and non-polar, with valine, which is neutral and non-polar, at codon 1612 of the COL11A1 protein (p.Leu1612Val). This variant is not present in population databases (gnomAD no frequency). This variant has not been reported in the literature in individuals affected with COL11A1-related conditions. ClinVar contains an entry for this variant (Variation ID: 1924016). Advanced modeling of protein sequence and biophysical properties (such as structural, functional, and spatial information, amino acid conservation, physicochemical variation, residue mobility, and thermodynamic stability) performed at Invitae indicates that this missense variant is not expected to disrupt COL11A1 protein function with a negative predictive value of 95%. In summary, the available evidence is currently insufficient to determine the role of this variant in disease. Therefore, it has been classified as a Variant of Uncertain Significance.